The following is an entry in ClinVar:

NM_003620.4(PPM1D):c.1293_1294del (p.Asn431_Ser432insTer)

Gene: PPM1D (protein phosphatase, Mg2+/Mn2+ dependent 1D; plus strand). Cytogenetic location: 17q23.2.
Variant type: Deletion.
Coding change: c.1293_1294del on transcript NM_003620.4 (MANE Select); coding-DNA positions 1293 to 1294, 2 bases deleted (TT; older notation c.1293_1294delTT).
Protein change: p.Asn431_Ser432insTer.
Molecular consequence: frameshift variant.
Genome position (GRCh38, 1-based): chr17:60,663,027-60,663,028, TT deleted. VCF-style (leftmost placement, unchanged base first): chr17-60663026-ATT-A. GRCh37 (hg19) VCF-style: chr17-58740387-ATT-A.
Other names: p.Ser432Ter.
Identifiers: ClinVar variation 4813309 (VCV004813309.1).

ClinVar aggregate classification (germline): Likely pathogenic (1 of 4 stars; one submission).

Conditions:
Intellectual developmental disorder with gastrointestinal difficulties and high pain threshold (JDVS). Also called: JANSEN-DE VRIES SYNDROME. Identifiers: Orphanet 653767, MedGen C4479517, MONDO:0044318, OMIM 617450.

Submission:

Medical Genetics Clinic, University of Catania
Classification: Likely pathogenic for Intellectual developmental disorder with gastrointestinal difficulties and high pain threshold. Last evaluated: 2026-02-27. Review status: criteria provided, single submitter. Criteria: ACMG Guidelines, 2015. Collection method: clinical testing. Allele origin: de novo. Inheritance: Autosomal dominant inheritance. Affected: yes. Observed: 1 variant allele, 1 heterozygote.
Comment: The c.1293_1294del variant is located in the last exon (6/6) of the PPM1D gene. It causes the translation to stop at residue 432 (p.Ser432Ter). De novo truncating variants located in the penultimate and last exon of the PPM1D gene that escape nonsense-mediated decay and produce truncated C-terminal proteins with a gain-of-function effect are associated with "Jansen-de Vries Syndrome." In silico prediction tools suggest a detrimental effect on the structure/activity of the protein (MUTTASTER: disease causing). In light of the above, the c.1293_1294del variant in the PPM1D gene has been classified as a Likely Pathogenic Variant (PVS1, PM2).

Literature cited by the submitters: PubMed 28343630.